The following is an entry in ClinVar:

ClinVar aggregate classification (germline): Pathogenic (1 of 4 stars; one submission).

Conditions:
Polycystic kidney disease 4 (PKD4). Also called: POLYCYSTIC KIDNEY DISEASE 4 WITH OR WITHOUT POLYCYSTIC LIVER DISEASE; PKD3; POLYCYSTIC KIDNEY AND HEPATIC DISEASE 1; POLYCYSTIC KIDNEY DISEASE, INFANTILE, TYPE I; Autosomal Recessive Polycystic Kidney Disease – PKHD1. Identifiers: MedGen C4540575, MONDO:0033004, OMIM 263200.

Submission:

MVZ Medizinische Genetik Mainz
Classification: Pathogenic for Polycystic kidney disease 4. Last evaluated: 2022-11-22. Review status: criteria provided, single submitter. Criteria: UK Practice Guidelines For Variant Classification V4 01 2020. Collection method: clinical testing. Allele origin: germline. Inheritance: Autosomal recessive inheritance. Affected: yes. Observed: 1 variant allele.
Comment: ACMG Criteria: PVS1, PM2_SUP, PM3_SUP, PP4 (ACMG Version 4)

NM_138694.4(PKHD1):c.10853del (p.Arg3618fs)

Gene: PKHD1 (PKHD1 ciliary IPT domain containing fibrocystin/polyductin; minus strand). Cytogenetic location: 6p12.3.
Variant type: Deletion.
Coding change: c.10853del on transcript NM_138694.4 (MANE Select); coding-DNA position 10853, one base deleted (G; older notation c.10853delG).
Protein change: p.Arg3618fs; shifts the reading frame from arginine 3618.
Molecular consequence: frameshift variant.
Genome position (GRCh38, 1-based): chr6:51,659,273, C deleted on the plus strand (G on the coding strand, the reverse complement: PKHD1 is on the minus strand). VCF-style (leftmost placement, unchanged base first): chr6-51659272-TC-T. GRCh37 (hg19) VCF-style: chr6-51524070-TC-T.
Other names: short protein forms R3618fs.
Identifiers: ClinVar variation 3236034 (VCV003236034.1), dbSNP rs2533438306, ClinGen allele CA2825001467.